The following is an entry in ClinVar:

NM_001012614.2(CTBP1):c.162+282T>C

Gene: CTBP1 (C-terminal binding protein 1; minus strand). Cytogenetic location: 4p16.3.
Variant type: single nucleotide variant.
Coding change: c.162+282T>C on transcript NM_001012614.2 (MANE Select); 282 bases into the intron after coding-DNA position 162, T replaced by C.
Molecular consequence: intron variant.
Genome position (GRCh38, 1-based): chr4:1,237,901, A>G on the plus strand (T>C on the coding strand, the complement: CTBP1 is on the minus strand). VCF-style: chr4-1237901-A-G. GRCh37 (hg19) VCF-style: chr4-1231689-A-G.
Other names: c.162+282T>C (NM_001377192.1, NM_001377189.1, NM_001377193.1 and 4 more transcripts); c.195+282T>C (NM_001328.3, NM_001377186.1).
Identifiers: ClinVar variation 2578959 (VCV002578959.25), dbSNP rs561228687, ClinGen allele CA2804505.

ClinVar aggregate classification (germline): Likely benign (1 of 4 stars; one submission).

Allele frequency attached by ClinVar (database versions not stated): gnomAD 0.00014; gnomAD exomes 0.00046; ExAC 0.00081.
gnomAD v4.1: 266 of 697,568 alleles (0.038%); highest among the groups gnomAD compares: South Asian, 0.17%; 1 homozygote.

Submission:

CeGaT Center for Human Genetics Tuebingen
Classification: Likely benign. Last evaluated: 2023-08-01. Review status: criteria provided, single submitter. Criteria: CeGaT Center For Human Genetics Tuebingen Variant Classification Criteria Version 2. Collection method: clinical testing. Allele origin: germline. Affected: yes. Observed: 1 variant allele.
Comment: CTBP1: BP4, BP7